The following is an entry in ClinVar:

ClinVar aggregate classification (germline): Conflicting classifications of pathogenicity. Review status: criteria provided, conflicting classifications (1 of 4 stars). 2 submissions from 2 submitters: Likely pathogenic (1); Uncertain significance (1). Last evaluated 2025-10-30.

Conditions:
Hereditary cancer-predisposing syndrome. Also called: Neoplastic Syndromes, Hereditary; Hereditary Cancer Syndrome; Hereditary neoplastic syndrome; Tumor predisposition. Identifiers: Orphanet 140162, MedGen C0027672, MeSH D009386, MONDO:0015356.

Submissions (2):

Labcorp Genetics (formerly Invitae), Labcorp
Classification: Likely pathogenic. Last evaluated: 2025-10-30. Review status: criteria provided, single submitter. Criteria: Invitae Variant Classification Sherloc (09022015). Collection method: clinical testing. Allele origin: germline.
Comment: This sequence change affects a splice site in intron 23 of the POLE gene. It is expected to disrupt RNA splicing. Variants that disrupt the donor or acceptor splice site typically lead to a loss of protein function (PMID: 16199547), and loss-of-function variants in POLE are known to be pathogenic (PMID: 23230001, 25948378, 30503519). This variant is present in population databases (rs779830137, gnomAD 0.0009%). This variant has not been reported in the literature in individuals affected with POLE-related conditions. ClinVar contains an entry for this variant (Variation ID: 540797). Algorithms developed to predict the effect of sequence changes on RNA splicing suggest that this variant may disrupt the consensus splice site. In summary, the currently available evidence indicates that the variant is pathogenic, but additional data are needed to prove that conclusively. Therefore, this variant has been classified as Likely Pathogenic.

Ambry Genetics
Classification: Uncertain significance for Hereditary cancer-predisposing syndrome. Last evaluated: 2024-12-17. Review status: criteria provided, single submitter. Criteria: Ambry Variant Classification Scheme 2023. Collection method: clinical testing. Allele origin: germline.
Comment: The c.2706+1_2706+5delGTGAG intronic variant results from a deletion of 5 nucleotides between positions 2706+1 and 2706+5 and involves the canonical splice donor site after coding exon 23 of the POLE gene. This nucleotide region is well conserved in available vertebrate species. In silico splice site analysis predicts that this alteration will weaken the native splice donor site. RNA studies have demonstrated that this alteration results in abnormal splicing in the set of samples tested (Ambry internal data). Alterations that disrupt the canonical splice site are expected to cause aberrant splicing, resulting in an abnormal protein or a transcript that is subject to nonsense-mediated mRNA decay. Loss-of-function variants subject to nonsense mediated decay (NMD) in POLE are known to cause POLE deficiency; however, such associations with POLE-related polymerase proofreading-associated polyposis (PPAP) have not been reported. Based on the supporting evidence, this alteration is likely pathogenic for POLE deficiency; however, the association of this alteration with POLE-related polymerase proofreading-associated polyposis (PPAP) is unknown.

Literature cited by the submitters: PubMed 16199547 (cited by Labcorp Genetics (formerly Invitae), Labcorp); PubMed 23230001 (cited by Labcorp Genetics (formerly Invitae), Labcorp); PubMed 25948378 (cited by Labcorp Genetics (formerly Invitae), Labcorp); PubMed 30503519 (cited by Labcorp Genetics (formerly Invitae), Labcorp).

NM_006231.4(POLE):c.2706+1_2706+5del

Gene: POLE (DNA polymerase epsilon, catalytic subunit; minus strand). Cytogenetic location: 12q24.33.
Variant type: Deletion.
Coding change: c.2706+1_2706+5del on transcript NM_006231.4 (MANE Select); the canonical splice donor site of the intron after coding-DNA position 2706 through 5 bases into the intron after coding-DNA position 2706, 5 bases deleted (GTGAG; older notation c.2706+1_2706+5delGTGAG).
Molecular consequence: splice donor variant.
Genome position (GRCh38, 1-based): chr12:132,663,999-132,664,003, CTCAC deleted on the plus strand (GTGAG on the coding strand, the reverse complement: POLE is on the minus strand); deleting any 5 consecutive bases within chr12:132,663,999-132,664,005 gives the same sequence; the c. name uses the placement nearest the transcript's 3' end. VCF-style (leftmost placement, unchanged base first): chr12-132663998-ACTCAC-A. GRCh37 (hg19) VCF-style: chr12-133240584-ACTCAC-A.
Other names: c.2706+1_2706+5delGTGAG (NM_006231.2, NM_006231.3).
Identifiers: ClinVar variation 540797 (VCV000540797.7), dbSNP rs779830137, ClinGen allele CA6893476.
Genomic context (GRCh38, chr12:132,663,998, plus strand): 5'-GCCAGTGACATCAGGGCACTGACGCCAGGCCAGCCAGAGCTTCAGGACCAGAGGCCCCAG[ACTCAC>A]CTTGACCATGATGTTCAACATGGCGCCTGGGTAGGAGATGGTCACTTTGGGCTTCTTCAC-3'